The following is an entry in ClinVar:

NM_001849.4(COL6A2):c.742A>G (p.Lys248Glu)

Gene: COL6A2 (collagen type VI alpha 2 chain; plus strand). Cytogenetic location: 21q22.3.
Variant type: single nucleotide variant.
Coding change: c.742A>G on transcript NM_001849.4 (MANE Select); coding-DNA position 742, A replaced by G.
Protein change: p.Lys248Glu; replaces lysine 248 with glutamic acid.
Molecular consequence: missense variant.
Genome position (GRCh38, 1-based): chr21:46,114,014, A>G. VCF-style: chr21-46114014-A-G. GRCh37 (hg19) VCF-style: chr21-47533928-A-G.
Other names: c.742A>G, p.Lys248Glu (NM_058174.3, NM_058175.3); short protein forms K248E.
Identifiers: ClinVar variation 2417074 (VCV002417074.8), dbSNP rs966102051, ClinGen allele CA321958246.

ClinVar aggregate classification (germline): Uncertain significance (1 of 4 stars; one submission).

Conditions:
Bethlem myopathy 1A. Also called: Bethlem Muscular Dystrophy; MYOPATHY, BENIGN CONGENITAL, WITH CONTRACTURES; Bethlem myopathy 1. Identifiers: Orphanet 610, MedGen CN029274, MONDO:0024530, OMIM 158810.

Allele frequency attached by ClinVar (database versions not stated): gnomAD exomes below 0.00001.
gnomAD v4.1: 3 of 1,613,808 alleles (0.00019%); highest among the groups gnomAD compares: African/African-American, 0.0013%; no homozygotes.

Submission:

Labcorp Genetics (formerly Invitae), Labcorp
Classification: Uncertain significance for Bethlem myopathy 1A. Last evaluated: 2022-09-27. Review status: criteria provided, single submitter. Criteria: Invitae Variant Classification Sherloc (09022015). Collection method: clinical testing. Allele origin: germline.
Comment: In summary, the available evidence is currently insufficient to determine the role of this variant in disease. Therefore, it has been classified as a Variant of Uncertain Significance. Advanced modeling of protein sequence and biophysical properties (such as structural, functional, and spatial information, amino acid conservation, physicochemical variation, residue mobility, and thermodynamic stability) performed at Invitae indicates that this missense variant is not expected to disrupt COL6A2 protein function. This variant has not been reported in the literature in individuals affected with COL6A2-related conditions. This variant is present in population databases (no rsID available, gnomAD 0.007%). This sequence change replaces lysine, which is basic and polar, with glutamic acid, which is acidic and polar, at codon 248 of the COL6A2 protein (p.Lys248Glu).